The following is an entry in ClinVar:

ClinVar aggregate classification (germline): Uncertain significance (1 of 4 stars; one submission).

gnomAD v4.1: 2 of 1,612,704 alleles (0.00012%); highest among the groups gnomAD compares: Non-Finnish European, 0.00017%; no homozygotes.

Submission:

Ambry Genetics
Classification: Uncertain significance. Last evaluated: 2024-04-20. Review status: criteria provided, single submitter. Criteria: Ambry Variant Classification Scheme 2023. Collection method: clinical testing. Allele origin: germline.
Comment: The p.R176L variant (also known as c.527G>T), located in coding exon 1 of the EGLN2 gene, results from a G to T substitution at nucleotide position 527. The arginine at codon 176 is replaced by leucine, an amino acid with dissimilar properties. This amino acid position is conserved. In addition, this alteration is predicted to be tolerated by in silico analysis. Since supporting evidence is limited at this time, the clinical significance of this alteration remains unclear.

NM_080732.4(EGLN2):c.527G>T (p.Arg176Leu)

Genes: EGLN2 (egl-9 family hypoxia inducible factor 2; plus strand), RAB4B-EGLN2 (RAB4B-EGLN2 readthrough (NMD candidate); plus strand). Cytogenetic location: 19q13.2.
Variant type: single nucleotide variant.
Coding change: c.527G>T on transcript NM_080732.4 (MANE Select); coding-DNA position 527, G replaced by T.
Protein change: p.Arg176Leu; replaces arginine 176 with leucine.
Molecular consequence: missense variant. On other transcripts: non-coding transcript variant (1).
Genome position (GRCh38, 1-based): chr19:40,801,099, G>T. VCF-style: chr19-40801099-G-T. GRCh37 (hg19) VCF-style: chr19-41307004-G-T.
Other names: c.527G>T, p.Arg176Leu (NM_053046.4); short protein forms R176L.
Identifiers: ClinVar variation 1746559 (VCV001746559.3), dbSNP rs369347048, ClinGen allele CA405955447.